The following is an entry in ClinVar:

NM_000717.5(CA4):c.846A>G (p.Ile282Met)

Gene: CA4 (carbonic anhydrase 4; plus strand). Cytogenetic location: 17q23.1.
Variant type: single nucleotide variant.
Coding change: c.846A>G on transcript NM_000717.5 (MANE Select); coding-DNA position 846, A replaced by G.
Protein change: p.Ile282Met; replaces isoleucine 282 with methionine.
Molecular consequence: missense variant. On other transcripts: non-coding transcript variant (1).
Genome position (GRCh38, 1-based): chr17:60,159,331, A>G. VCF-style: chr17-60159331-A-G. GRCh37 (hg19) VCF-style: chr17-58236692-A-G.
Other names: short protein forms I282M.
Identifiers: ClinVar variation 1963144 (VCV001963144.5), dbSNP rs1386428723, ClinGen allele CA400460691.

ClinVar aggregate classification (germline): Uncertain significance (1 of 4 stars; one submission).

Allele frequency attached by ClinVar (database versions not stated): gnomAD 0.00001; gnomAD exomes 0.00001.
gnomAD v4.1: 4 of 1,609,506 alleles (0.00025%); highest among the groups gnomAD compares: Admixed American, 0.0017%; no homozygotes.

Submission:

Labcorp Genetics (formerly Invitae), Labcorp
Classification: Uncertain significance. Last evaluated: 2025-08-18. Review status: criteria provided, single submitter. Criteria: Invitae Variant Classification Sherloc (09022015). Collection method: clinical testing. Allele origin: germline.
Comment: This sequence change replaces isoleucine, which is neutral and non-polar, with methionine, which is neutral and non-polar, at codon 282 of the CA4 protein (p.Ile282Met). The frequency data for this variant in the population databases is considered unreliable, as metrics indicate poor data quality at this position in the gnomAD database. This variant has not been reported in the literature in individuals affected with CA4-related conditions. ClinVar contains an entry for this variant (Variation ID: 1963144). Invitae Evidence Modeling of protein sequence and biophysical properties (such as structural, functional, and spatial information, amino acid conservation, physicochemical variation, residue mobility, and thermodynamic stability) indicates that this missense variant is not expected to disrupt CA4 protein function with a negative predictive value of 80%. In summary, the available evidence is currently insufficient to determine the role of this variant in disease. Therefore, it has been classified as a Variant of Uncertain Significance.